The following is an entry in ClinVar:

ClinVar aggregate classification (germline): Uncertain significance (1 of 4 stars; one submission).

gnomAD v4.1: 2 of 1,609,250 alleles (0.00012%); highest among the groups gnomAD compares: Non-Finnish European, 0.00017%; no homozygotes.

Submission:

GeneDx
Classification: Uncertain significance. Last evaluated: 2026-03-22. Review status: criteria provided, single submitter. Criteria: GeneDx Variant Classification Process June 2021. Collection method: clinical testing. Allele origin: germline.
Comment: Not observed at significant frequency in large population cohorts (gnomAD); In silico analysis supports that this missense variant has a deleterious effect on protein structure/function; Has not been previously published as pathogenic or benign to our knowledge

NM_001326342.2(CELF2):c.344C>T (p.Thr115Ile)

Gene: CELF2 (CUGBP Elav-like family member 2; plus strand). Cytogenetic location: 10p14.
Variant type: single nucleotide variant.
Coding change: c.344C>T on transcript NM_001326342.2 (MANE Select); coding-DNA position 344, C replaced by T.
Protein change: p.Thr115Ile; replaces threonine 115 with isoleucine.
Molecular consequence: missense variant. On other transcripts: 5 prime UTR variant (1), intron variant (3).
Genome position (GRCh38, 1-based): chr10:11,217,497, C>T. VCF-style: chr10-11217497-C-T. GRCh37 (hg19) VCF-style: chr10-11259460-C-T.
Other names: c.416C>T, p.Thr139Ile (NM_001326325.2); c.359C>T, p.Thr120Ile (NM_001326326.2, NM_001326327.2); c.251C>T, p.Thr84Ile (NM_001326328.2, NM_001326329.2, NM_001326330.2 and 15 more transcripts); c.323C>T, p.Thr108Ile (NM_001326331.2, NM_001326332.2, NM_001326335.2 and 4 more transcripts); c.-282C>T (NM_001326333.2); c.344C>T, p.Thr115Ile (NM_001326340.2, NM_001326341.2, NM_001326343.2 and 4 more transcripts); c.275C>T, p.Thr92Ile (NM_001326347.1); c.1-31656C>T (NM_001326339.2, NM_001326338.2); and 1 more; short protein forms T108I, T115I, T120I, T139I, T84I, T92I.
Identifiers: ClinVar variation 5017215 (VCV005017215.1).